The following is an entry in ClinVar:

NM_003873.7(NRP1):c.1282+9T>C

Gene: NRP1 (neuropilin 1; minus strand). Cytogenetic location: 10p11.22.
Variant type: single nucleotide variant.
Coding change: c.1282+9T>C on transcript NM_003873.7 (MANE Select); 9 bases into the intron after coding-DNA position 1282, T replaced by C.
Molecular consequence: intron variant.
Genome position (GRCh38, 1-based): chr10:33,221,710, A>G on the plus strand (T>C on the coding strand, the complement: NRP1 is on the minus strand). VCF-style: chr10-33221710-A-G. GRCh37 (hg19) VCF-style: chr10-33510638-A-G.
Other names: c.1282+9T>C (NM_001244973.2, NM_001244972.2, NM_001330068.2 and 2 more transcripts).
Identifiers: ClinVar variation 4984339 (VCV004984339.1).

ClinVar aggregate classification (germline): Likely benign (1 of 4 stars; one submission).

Conditions:
NRP1-related disorder. Also called: NRP1-related condition.

gnomAD v4.1: 9 of 1,610,714 alleles (0.00056%); highest among the groups gnomAD compares: Middle Eastern, 0.033%; no homozygotes.

Submission:

PreventionGenetics, part of Exact Sciences
Classification: Likely benign for NRP1-related condition. Last evaluated: 2025-05-15. Review status: criteria provided, single submitter. Criteria: ACMG Guidelines, 2015. Collection method: clinical testing. Allele origin: germline.
Comment: This variant is classified as likely benign based on ACMG/AMP sequence variant interpretation guidelines (Richards et al. 2015 PMID: 25741868, with internal and published modifications).